The following is an entry in ClinVar:

ClinVar aggregate classification (germline): Uncertain significance (1 of 4 stars; one submission).

Conditions:
Early-infantile DEE. Also called: Ohtahara syndrome; Early infantile epileptic encephalopathy with suppression bursts; Early infantile epileptic encephalopathy. Identifiers: Orphanet 1934, MedGen C0393706, MONDO:0800491.

Submission:

Labcorp Genetics (formerly Invitae), Labcorp
Classification: Uncertain significance for Early-infantile DEE. Last evaluated: 2024-11-04. Review status: criteria provided, single submitter. Criteria: Invitae Variant Classification Sherloc (09022015). Collection method: clinical testing. Allele origin: germline.
Comment: This sequence change replaces glycine, which is neutral and non-polar, with alanine, which is neutral and non-polar, at codon 703 of the ARHGEF15 protein (p.Gly703Ala). This variant is not present in population databases (gnomAD no frequency). This variant has not been reported in the literature in individuals affected with ARHGEF15-related conditions. ClinVar contains an entry for this variant (Variation ID: 2855259). An algorithm developed to predict the effect of missense changes on protein structure and function (PolyPhen-2) suggests that this variant is likely to be tolerated. In summary, the available evidence is currently insufficient to determine the role of this variant in disease. Therefore, it has been classified as a Variant of Uncertain Significance.

NM_173728.4(ARHGEF15):c.2108G>C (p.Gly703Ala)

Gene: ARHGEF15 (Rho guanine nucleotide exchange factor 15; plus strand). Cytogenetic location: 17p13.1.
Variant type: single nucleotide variant.
Coding change: c.2108G>C on transcript NM_173728.4 (MANE Select); coding-DNA position 2108, G replaced by C.
Protein change: p.Gly703Ala; replaces glycine 703 with alanine.
Molecular consequence: missense variant.
Genome position (GRCh38, 1-based): chr17:8,319,081, G>C. VCF-style: chr17-8319081-G-C. GRCh37 (hg19) VCF-style: chr17-8222399-G-C.
Other names: c.2108G>C, p.Gly703Ala (NM_025014.2); short protein forms G703A.
Identifiers: ClinVar variation 2855259 (VCV002855259.3), dbSNP rs2543949139, ClinGen allele CA398024515.